The following is an entry in ClinVar:

NM_001048174.2(MUTYH):c.347C>G (p.Thr116Ser)

Gene: MUTYH (mutY DNA glycosylase; minus strand). Cytogenetic location: 1p34.1.
Variant type: single nucleotide variant.
Coding change: c.347C>G on transcript NM_001048174.2 (MANE Select); coding-DNA position 347, C replaced by G.
Protein change: p.Thr116Ser; replaces threonine 116 with serine.
Molecular consequence: missense variant. On other transcripts: non-coding transcript variant (6), intron variant (3).
Genome position (GRCh38, 1-based): chr1:45,333,128, G>C on the plus strand (C>G on the coding strand, the complement: MUTYH is on the minus strand). VCF-style: chr1-45333128-G-C. GRCh37 (hg19) VCF-style: chr1-45798800-G-C.
Other names: c.350C>G, p.Thr117Ser (NM_001407086.1, NM_001048172.2, NM_001407071.1 and 2 more transcripts); c.368C>G, p.Thr123Ser (NM_001407087.1); c.347C>G, p.Thr116Ser (NM_001407088.1, NM_001407089.1, NM_001407080.1 and 6 more transcripts); c.71C>G, p.Thr24Ser (NM_001407091.1, NM_001293192.2, NM_001293196.2); c.33+157C>G (NM_001350651.2, NM_001350650.2, NM_001407082.1); c.422C>G, p.Thr141Ser (NM_012222.3, NM_001407069.1); c.389C>G, p.Thr130Ser (NM_001407083.1, NM_001407085.1, NM_001407073.1); c.431C>G, p.Thr144Ser (NM_001128425.2); and 3 more; short protein forms T127S, T24S, T88S, T116S, T123S, T130S, T144S, T141S.
Identifiers: ClinVar variation 4113657 (VCV004113657.1).

ClinVar aggregate classification (germline): Uncertain significance (1 of 4 stars; one submission).

Conditions:
Hereditary cancer-predisposing syndrome. Also called: Hereditary neoplastic syndrome; Neoplastic Syndromes, Hereditary; Tumor predisposition; Hereditary Cancer Syndrome. Identifiers: Orphanet 140162, MedGen C0027672, MeSH D009386, MONDO:0015356.

Submission:

Ambry Genetics
Classification: Uncertain significance for Hereditary cancer-predisposing syndrome. Last evaluated: 2025-08-27. Review status: criteria provided, single submitter. Criteria: Ambry Variant Classification Scheme 2023. Collection method: clinical testing. Allele origin: germline.
Comment: The p.T144S variant (also known as c.431C>G), located in coding exon 5 of the MUTYH gene, results from a C to G substitution at nucleotide position 431. The threonine at codon 144 is replaced by serine, an amino acid with similar properties. This amino acid position is conserved. In addition, the in silico prediction for this alteration is inconclusive. Based on the available evidence, the clinical significance of this variant remains unclear.